The following is an entry in ClinVar:

ClinVar aggregate classification (germline): Uncertain significance/Uncertain risk allele. Review status: criteria provided, multiple submitters, no conflicts (2 of 4 stars). 4 submissions from 4 submitters: Uncertain significance (3); Uncertain risk allele (1). Last evaluated 2024-10-07.

Conditions:
Cataract 41 (CTRCT41). Also called: CATARACT 41, CONGENITAL NUCLEAR TYPE. Identifiers: Orphanet 91492, Orphanet 98991, Orphanet 98992, Orphanet 98995, MedGen C3805412, MONDO:0007287, OMIM 116400.
Wolfram-like syndrome. Also called: HEARING LOSS, PROGRESSIVE, WITH OPTIC ATROPHY AND/OR IMPAIRED GLUCOSE REGULATION. Identifiers: Orphanet 411590, MedGen C3280358, MONDO:0013673, OMIM 614296.
Wolfram syndrome 1 (WFS1). Identifiers: Orphanet 3463, MedGen C4551693, MONDO:0009101, OMIM 222300.
Autosomal dominant nonsyndromic hearing loss 6 (LFSNHL). Also called: DEAFNESS, AUTOSOMAL DOMINANT 6; DEAFNESS, AUTOSOMAL DOMINANT 14; DEAFNESS, AUTOSOMAL DOMINANT 38; Autosomal dominant nonsyndromic deafness 6. Identifiers: Orphanet 90635, MedGen C1833021, MONDO:0010963, OMIM 600965.
Type 2 diabetes mellitus. Also called: Type II diabetes mellitus. Identifiers: MedGen C0011860, MeSH D003924, MONDO:0005148, OMIM 125853, HP:0005978.

Allele frequency attached by ClinVar (database versions not stated): gnomAD exomes below 0.00001; gnomAD 0.00001; TOPMed 0.00001.
gnomAD v4.1: 2 of 1,613,816 alleles (0.00012%); highest among the groups gnomAD compares: African/African-American, 0.0013%; no homozygotes.

Submissions (4):

Labcorp Genetics (formerly Invitae), Labcorp
Classification: Uncertain significance. Last evaluated: 2024-10-07. Review status: criteria provided, single submitter. Criteria: Invitae Variant Classification Sherloc (09022015). Collection method: clinical testing. Allele origin: germline.
Comment: This sequence change replaces isoleucine, which is neutral and non-polar, with phenylalanine, which is neutral and non-polar, at codon 332 of the WFS1 protein (p.Ile332Phe). This variant is not present in population databases (gnomAD no frequency). This variant has not been reported in the literature in individuals affected with WFS1-related conditions. ClinVar contains an entry for this variant (Variation ID: 290798). Invitae Evidence Modeling of protein sequence and biophysical properties (such as structural, functional, and spatial information, amino acid conservation, physicochemical variation, residue mobility, and thermodynamic stability) indicates that this missense variant is not expected to disrupt WFS1 protein function with a negative predictive value of 95%. In summary, the available evidence is currently insufficient to determine the role of this variant in disease. Therefore, it has been classified as a Variant of Uncertain Significance.

Fulgent Genetics
Classification: Uncertain significance for Cataract 41; Type 2 diabetes mellitus; Wolfram syndrome 1; Autosomal dominant nonsyndromic hearing loss 6; Wolfram-like syndrome. Last evaluated: 2022-02-26. Review status: criteria provided, single submitter. Criteria: ACMG Guidelines, 2015. Collection method: clinical testing. Allele origin: unknown.

Eurofins Ntd Llc (ga)
Classification: Uncertain significance. Last evaluated: 2016-09-07. Review status: criteria provided, single submitter. Criteria: EGL Classification Definitions 2015. Collection method: clinical testing. Allele origin: germline. Observed: 1 variant allele, 1 heterozygote.

Clinical Genomics, Uppaluri K&H Personalized Medicine Clinic
Classification: Uncertain risk allele for Wolfram syndrome 1. Review status: criteria provided, single submitter. Criteria: K & H Uppaluri Personalized Medicine Clinic Variant Classification & Assertion Criteria_Updated V.1. Collection method: research. Allele origin: unknown. Inheritance: Autosomal recessive inheritance.
Comment: Potent mutations in WFS1 gene are associated with Wolfram's syndrome, an autosomal recessive condition, which cause diabetes mellitus, diabetes insipidus, deafness and optic atrophy.However no sufficient evidence is found to ascertain the role of this particular variant rs564413149 in Wolfram's syndrome yet.

Literature cited by the submitters: PubMed 20738327 (cited by Clinical Genomics, Uppaluri K&H Personalized Medicine Clinic); PubMed 33879153 (cited by Clinical Genomics, Uppaluri K&H Personalized Medicine Clinic); PubMed 12955714 (cited by Clinical Genomics, Uppaluri K&H Personalized Medicine Clinic); PubMed 18060660 (cited by Clinical Genomics, Uppaluri K&H Personalized Medicine Clinic); PubMed 20301750 (cited by Clinical Genomics, Uppaluri K&H Personalized Medicine Clinic); PubMed 17603484 (cited by Clinical Genomics, Uppaluri K&H Personalized Medicine Clinic).

NM_006005.3(WFS1):c.994A>T (p.Ile332Phe)

Gene: WFS1 (wolframin ER transmembrane glycoprotein; plus strand). Cytogenetic location: 4p16.1.
Variant type: single nucleotide variant.
Coding change: c.994A>T on transcript NM_006005.3 (MANE Select); coding-DNA position 994, A replaced by T.
Protein change: p.Ile332Phe; replaces isoleucine 332 with phenylalanine.
Molecular consequence: missense variant.
Genome position (GRCh38, 1-based): chr4:6,300,789, A>T. VCF-style: chr4-6300789-A-T. GRCh37 (hg19) VCF-style: chr4-6302516-A-T.
Other names: c.994A>T, p.Ile332Phe (NM_001145853.1); short protein forms I332F.
Identifiers: ClinVar variation 290798 (VCV000290798.15), dbSNP rs564413149, ClinGen allele CA10606909.